The following is an entry in ClinVar:

ClinVar aggregate classification (germline): Pathogenic/Likely pathogenic. Review status: criteria provided, multiple submitters, no conflicts (2 of 4 stars). 9 submissions from 9 submitters: Pathogenic (7); Likely pathogenic (1). 1 of the submissions does not count toward it. Last evaluated 2025-10-20.

Conditions:
HEXA-related disorders.
Tay-Sachs disease (TSD). Also called: HEXA Disorders; Hexosaminidase A Deficiency; GM2 gangliosidosis, type 1; Hexosaminidase alpha-subunit deficiency (variant B); Sphingolipidosis, Tay-Sachs; HEXA DEFICIENCY. Identifiers: Orphanet 845, MedGen C0039373, MONDO:0010100, OMIM 272800.

Submissions (9):

Natera, Inc.
Classification: Pathogenic for Tay-Sachs disease. Last evaluated: 2025-10-20. Review status: criteria provided, single submitter. Criteria: Natera Variant Classification Schema (03/2026). Collection method: clinical testing. Allele origin: germline.
Comment: The c.1123delG variant in HEXA is a frameshift variant predicted to shift the reading frame beginning at codon 375 and leads to a stop codon 7 codons downstream. This variant is expected to result in nonsense mediated decay, truncation, or a dysfunctional protein product. This variant is rare in the general population with a frequency below the threshold expected for the associated phenotype(s). This variant has been observed in one or more individuals affected with the associated recessive disease, as either homozygous or compound heterozygous with a second variant (PMID: 31076878). Additionally, this variant has been observed to segregate in affected family members (PMID: 31076878). Given the available evidence, this variant is classified as Pathogenic.

Blueprint Genetics
Classification: Pathogenic for HEXA-related disorders. Last evaluated: 2024-06-24. Review status: criteria provided, single submitter. Criteria: ACMG Guidelines, 2015. Collection method: clinical testing. Allele origin: germline. Affected: yes. Observed: 1 variant allele.

Labcorp Genetics (formerly Invitae), Labcorp
Classification: Pathogenic for Tay-Sachs disease. Last evaluated: 2024-04-11. Review status: criteria provided, single submitter. Criteria: Invitae Variant Classification Sherloc (09022015). Collection method: clinical testing. Allele origin: germline.
Comment: This sequence change creates a premature translational stop signal (p.Glu375Argfs*7) in the HEXA gene. It is expected to result in an absent or disrupted protein product. Loss-of-function variants in HEXA are known to be pathogenic (PMID: 1833974, 8490625). The frequency data for this variant in the population databases is considered unreliable, as metrics indicate poor data quality at this position in the gnomAD database. This premature translational stop signal has been observed in individual(s) with Tay-Sachs disease (PMID: 16088929, 31076878). ClinVar contains an entry for this variant (Variation ID: 189166). Algorithms developed to predict the effect of sequence changes on RNA splicing suggest that this variant may disrupt the consensus splice site. For these reasons, this variant has been classified as Pathogenic.

Quest Diagnostics Nichols Institute San Juan Capistrano
Classification: Pathogenic. Last evaluated: 2023-04-04. Review status: criteria provided, single submitter. Criteria: Quest Diagnostics criteria. Collection method: clinical testing. Allele origin: unknown.
Comment: This frameshift variant alters the translational reading frame of the HEXA mRNA and causes the premature termination of HEXA protein synthesis. In the published literature, the variant has been reported as compound heterozygous with other pathogenic variants in individuals with Tay-Sachs Disease (PMIDs: 16088929 (2005), 23820084 (2013), and 31076878 (2019)). Based on the available information, this variant is classified as pathogenic.

MGZ Medical Genetics Center
Classification: Pathogenic for Tay-Sachs disease. Last evaluated: 2022-02-09. Review status: criteria provided, single submitter. Criteria: ACMG Guidelines, 2015. Collection method: clinical testing. Allele origin: germline. Affected: yes. Observed: 1 variant allele.
Comment: ACMG criteria applied: PVS1, PS4_MOD, PM3, PM2_SUP

Institute of Medical Genetics and Applied Genomics, University Hospital Tübingen
Classification: Pathogenic. Last evaluated: 2020-10-23. Review status: criteria provided, single submitter. Criteria: ACMG Guidelines, 2015. Collection method: clinical testing. Allele origin: germline. Inheritance: Autosomal recessive inheritance. Affected: yes.

Women's Health and Genetics/Laboratory Corporation of America, LabCorp
Classification: Pathogenic for Tay-Sachs disease. Last evaluated: 2019-11-25. Review status: criteria provided, single submitter. Criteria: LabCorp Variant Classification Summary - May 2015. Collection method: clinical testing. Allele origin: germline.
Comment: Variant summary: HEXA c.1123delG (p.Glu375ArgfsX7) results in a premature termination codon, predicted to cause a truncation of the encoded protein or absence of the protein due to nonsense mediated decay, which are commonly known mechanisms for disease. Truncations downstream of this position have been classified as pathogenic by our laboratory. The variant allele was found at a frequency of 8.1e-06 in 246288 control chromosomes. c.1123delG has been reported in the literature in individuals affected with Tay-Sachs Disease (example, Montalvo_2005, Jamrozik_2013, Jahnova_2019). These data indicate that the variant is likely to be associated with disease. No experimental evidence demonstrating an impact on protein function were ascertained in the context of this evaluation. One clinical diagnostic laboratory has submitted clinical-significance assessments for this variant to ClinVar after 2014 without evidence for independent evaluation and classified the variant as likely pathogenic. Based on the evidence outlined above, the variant was classified as pathogenic.

Institute of Human Genetics, University of Leipzig Medical Center
Classification: Likely pathogenic for Tay-Sachs disease. Last evaluated: 2019-01-01. Review status: criteria provided, single submitter. Criteria: ACMG Guidelines, 2015. Collection method: clinical testing. Allele origin: unknown. Affected: yes.

Counsyl
Classification: Likely pathogenic for Tay-Sachs disease. Last evaluated: 2015-01-30. Review status: no assertion criteria provided. Collection method: literature only. Allele origin: unknown. Inheritance: Autosomal recessive inheritance. Not counted in ClinVar's aggregate classification.

Literature cited by the submitters: PubMed 31076878 (cited by 4 submitters); PubMed 1833974 (cited by Labcorp Genetics (formerly Invitae), Labcorp); PubMed 8490625 (cited by Labcorp Genetics (formerly Invitae), Labcorp); PubMed 16088929 (cited by 4 submitters); PubMed 23820084 (cited by Quest Diagnostics Nichols Institute San Juan Capistrano and Women's Health and Genetics/Laboratory Corporation of America, LabCorp); PubMed 16698036 (cited by Counsyl).

NM_000520.6(HEXA):c.1123del (p.Glu375fs)

Gene: HEXA (hexosaminidase subunit alpha; minus strand). Cytogenetic location: 15q23.
Variant type: Deletion.
Coding change: c.1123del on transcript NM_000520.6 (MANE Select); coding-DNA position 1123, one base deleted (G; older notation c.1123delG).
Protein change: p.Glu375fs; shifts the reading frame from glutamic acid 375.
Molecular consequence: frameshift variant.
Genome position (GRCh38, 1-based): chr15:72,347,709, C deleted on the plus strand (G on the coding strand, the reverse complement: HEXA is on the minus strand); the first of 2 consecutive C bases (chr15:72,347,709-72,347,710); deleting either gives the same sequence. VCF-style (leftmost placement, unchanged base first): chr15-72347708-TC-T. GRCh37 (hg19) VCF-style: chr15-72640049-TC-T.
Other names: c.1156del, p.Glu386fs (NM_001318825.2); c.1123del (NM_000520.4); c.1123delG (NM_000520.5); short protein forms E375fs, E386fs.
Identifiers: ClinVar variation 189166 (VCV000189166.22), dbSNP rs766138785, ClinGen allele CA274447.